The following is an entry in ClinVar:

NM_198252.3(GSN):c.1801C>T (p.Arg601Cys)

Gene: GSN (gelsolin; plus strand). Cytogenetic location: 9q33.2.
Variant type: single nucleotide variant.
Coding change: c.1801C>T on transcript NM_198252.3 (MANE Select); coding-DNA position 1801, C replaced by T.
Protein change: p.Arg601Cys; replaces arginine 601 with cysteine.
Molecular consequence: missense variant.
Genome position (GRCh38, 1-based): chr9:121,328,929, C>T. VCF-style: chr9-121328929-C-T. GRCh37 (hg19) VCF-style: chr9-124091207-C-T.
Other names: c.1834C>T, p.Arg612Cys (NM_001353075.1, NM_001353077.1, NM_001353063.2 and 13 more transcripts); c.1873C>T, p.Arg625Cys (NM_001353076.2); c.1147C>T, p.Arg383Cys (NM_001353078.2); c.1801C>T, p.Arg601Cys (NM_001353056.2, NM_001353057.2, NM_001353058.2 and 10 more transcripts); c.1909C>T, p.Arg637Cys (NM_001127663.2); c.1852C>T, p.Arg618Cys (NM_001258029.2); c.1825C>T, p.Arg609Cys (NM_001258030.2); c.1954C>T, p.Arg652Cys (NM_000177.5); short protein forms R625C, R612C, R383C, R609C, R637C, R652C, R601C, R618C.
Identifiers: ClinVar variation 2969556 (VCV002969556.3), dbSNP rs765486168, ClinGen allele CA5221424.

ClinVar aggregate classification (germline): Uncertain significance (1 of 4 stars; one submission).

Allele frequency attached by ClinVar (database versions not stated): gnomAD 0.00001; gnomAD exomes 0.00002; ExAC 0.00003.

Submission:

Labcorp Genetics (formerly Invitae), Labcorp
Classification: Uncertain significance. Last evaluated: 2023-11-08. Review status: criteria provided, single submitter. Criteria: Invitae Variant Classification Sherloc (09022015). Collection method: clinical testing. Allele origin: germline.
Comment: This sequence change replaces arginine, which is basic and polar, with cysteine, which is neutral and slightly polar, at codon 652 of the GSN protein (p.Arg652Cys). This variant is present in population databases (rs765486168, gnomAD 0.01%). This variant has not been reported in the literature in individuals affected with GSN-related conditions. Advanced modeling of protein sequence and biophysical properties (such as structural, functional, and spatial information, amino acid conservation, physicochemical variation, residue mobility, and thermodynamic stability) performed at Invitae indicates that this missense variant is not expected to disrupt GSN protein function with a negative predictive value of 80%. In summary, the available evidence is currently insufficient to determine the role of this variant in disease. Therefore, it has been classified as a Variant of Uncertain Significance.